The following is an entry in ClinVar:

NM_001377.3(DYNC2H1):c.12039+231T>C

Gene: DYNC2H1 (dynein cytoplasmic 2 heavy chain 1; plus strand). Cytogenetic location: 11q22.3.
Variant type: single nucleotide variant.
Coding change: c.12039+231T>C on transcript NM_001377.3 (MANE Select); 231 bases into the intron after coding-DNA position 12039, T replaced by C.
Molecular consequence: intron variant.
Genome position (GRCh38, 1-based): chr11:103,324,221, T>C. VCF-style: chr11-103324221-T-C. GRCh37 (hg19) VCF-style: chr11-103194949-T-C.
Other names: c.12060+231T>C (NM_001080463.2).
Identifiers: ClinVar variation 667788 (VCV000667788.1), dbSNP rs313391, ClinGen allele CA13514229.
Genomic context (GRCh38, chr11:103,324,221, plus strand): 5'-GATTTTTTTTCTTTTTAAACTTTTATTTTAGACTCAGGGGAAATGTGCAGATTTGTTACA[T>C]AGGTAAATTGTGTGTCGTAAGGGTTTGGTGTACAGATTATTTTATCACGTAGGTAATAAG-3'

ClinVar aggregate classification (germline): Benign (1 of 4 stars; one submission).

Allele frequency attached by ClinVar (database versions not stated): gnomAD 0.62207 and 0.62454; TOPMed 0.63163; 1000 Genomes Project 30x 0.64022; 1000 Genomes Project 0.64337.
gnomAD v4.1: 94,906 of 151,956 alleles (62%); highest among the groups gnomAD compares: East Asian, 71%; 29,634 homozygotes.

Submission:

GeneDx
Classification: Benign. Last evaluated: 2018-06-14. Review status: criteria provided, single submitter. Criteria: GeneDx Variant Classification (06012015). Collection method: clinical testing. Allele origin: germline. Affected: yes.
Comment: This variant is considered likely benign or benign based on one or more of the following criteria: it is a conservative change, it occurs at a poorly conserved position in the protein, it is predicted to be benign by multiple in silico algorithms, and/or has population frequency not consistent with disease.